The following is an entry in ClinVar:

NM_002435.3(MPI):c.811del (p.Glu271fs)

Gene: MPI (mannose phosphate isomerase; plus strand). Cytogenetic location: 15q24.1.
Variant type: Deletion.
Coding change: c.811del on transcript NM_002435.3 (MANE Select); coding-DNA position 811, one base deleted (G; older notation c.811delG).
Protein change: p.Glu271fs; shifts the reading frame from glutamic acid 271.
Molecular consequence: frameshift variant.
Genome position (GRCh38, 1-based): chr15:74,896,292, G deleted; the last of 2 consecutive G bases (chr15:74,896,291-74,896,292); deleting either gives the same sequence. VCF-style (leftmost placement, unchanged base first): chr15-74896290-TG-T. GRCh37 (hg19) VCF-style: chr15-75188631-TG-T.
Other names: c.811del, p.Glu271fs (NM_001289155.2); c.661del, p.Glu221fs (NM_001289156.2); c.628del, p.Glu210fs (NM_001289157.2); c.751del, p.Glu251fs (NM_001330372.2); short protein forms E251fs, E271fs, E210fs, E221fs.
Identifiers: ClinVar variation 3674713 (VCV003674713.2).
Genomic context (GRCh38, chr15:74,896,290, plus strand): 5'-GCTGCTTTGCCATCTACTTCCTGAACCTGCTTACCCTGAAGCCTGGGGAGGCCATGTTTC[TG>T]GAGGCCAACGTACCCCATGCCTACCTGAAAGGAGGTGAGCCACATTTCAGCAGTGAGCCC-3'

ClinVar aggregate classification (germline): Pathogenic (1 of 4 stars; one submission).

Conditions:
MPI-congenital disorder of glycosylation. Also called: PROTEIN-LOSING ENTEROPATHY-HEPATIC FIBROSIS SYNDROME; MANNOSEPHOSPHATE ISOMERASE DEFICIENCY; MPI DEFICIENCY; CONGENITAL DISORDER OF GLYCOSYLATION, TYPE Ib; CDG Ib; MPI-CDG. Identifiers: Orphanet 79319, MedGen C1865145, MONDO:0011257, OMIM 602579.

Submission:

Labcorp Genetics (formerly Invitae), Labcorp
Classification: Pathogenic for MPI-congenital disorder of glycosylation. Last evaluated: 2024-02-29. Review status: criteria provided, single submitter. Criteria: Invitae Variant Classification Sherloc (09022015). Collection method: clinical testing. Allele origin: germline.
Comment: This sequence change creates a premature translational stop signal (p.Glu271Argfs*9) in the MPI gene. It is expected to result in an absent or disrupted protein product. Loss-of-function variants in MPI are known to be pathogenic (PMID: 19862844). This variant is not present in population databases (gnomAD no frequency). This variant has not been reported in the literature in individuals affected with MPI-related conditions. For these reasons, this variant has been classified as Pathogenic.

Literature cited by the submitters: PubMed 19862844.